The following is an entry in ClinVar:

NM_000554.6(CRX):c.*3117A>G

Gene: CRX (cone-rod homeobox; plus strand). Cytogenetic location: 19q13.33.
Variant type: single nucleotide variant.
Coding change: c.*3117A>G on transcript NM_000554.6 (MANE Select); 3117 bases downstream of the stop codon, A replaced by G.
Molecular consequence: 3 prime UTR variant.
Genome position (GRCh38, 1-based): chr19:47,843,084, A>G. VCF-style: chr19-47843084-A-G. GRCh37 (hg19) VCF-style: chr19-48346341-A-G.
Identifiers: ClinVar variation 893017 (VCV000893017.4), dbSNP rs116336713, ClinGen allele CA14732178.
Genomic context (GRCh38, chr19:47,843,084, plus strand): 5'-TCTGAGACTCCACCAGGAGCCGGAGAGGGCAGGGAGCCAAATCCAGCTAGGAGGTTACAG[A>G]TTGCTTTTCCTGGGCTGGGCTCCTGAGTGTTGGTTCTTCCAGCTGTGCACAGGGGATTTC-3'

ClinVar aggregate classification (germline): Benign/Likely benign. Review status: criteria provided, single submitter (1 of 4 stars). 3 submissions from 1 submitter: Benign (2); Likely benign (1). Last evaluated 2018-01-12.

Conditions:
Leber congenital amaurosis 7 (LCA7). Identifiers: Orphanet 65, MedGen C3151192, MONDO:0013449, OMIM 613829.
Retinitis pigmentosa (RP). Identifiers: Orphanet 791, MedGen C0035334, MeSH D012174, MONDO:0019200, OMIM 268000. Inheritance: Autosomal dominant, autosomal recessive and X linked inheritance.
Cone-rod dystrophy 2 (CORD2). Also called: CONE-ROD RETINAL DYSTROPHY; Cone-rod retinal dystrophy 2. Identifiers: Orphanet 1872, MedGen C3489532, MONDO:0007362, OMIM 120970.

Allele frequency attached by ClinVar (database versions not stated): 1000 Genomes Project 30x 0.00640; 1000 Genomes Project 0.00679; gnomAD 0.01060 and 0.01169; TOPMed 0.01221.

Submissions (3):

Illumina Laboratory Services, Illumina
Classification: Benign for Cone-rod dystrophy 2. Last evaluated: 2018-01-12. Review status: criteria provided, single submitter. Criteria: ICSL Variant Classification Criteria 13 December 2019. Collection method: clinical testing. Allele origin: germline.
Comment: This variant was observed in the ICSL laboratory as part of a predisposition screen in an ostensibly healthy population. It had not been previously curated by ICSL or reported in the Human Gene Mutation Database (HGMD: prior to June 1st, 2018), and was therefore a candidate for classification through an automated scoring system. Utilizing variant allele frequency, disease prevalence and penetrance estimates, and inheritance mode, an automated score was calculated to assess if this variant is too frequent to cause the disease. Based on the score and internal cut-off values, a variant classified as benign is not then subjected to further curation. The score for this variant resulted in a classification of benign for this disease.

Illumina Laboratory Services, Illumina
Classification: Benign for Retinitis pigmentosa. Last evaluated: 2018-01-12. Review status: criteria provided, single submitter. Criteria: ICSL Variant Classification Criteria 13 December 2019. Collection method: clinical testing. Allele origin: germline.
Comment: the same text as in the submission from Illumina Laboratory Services, Illumina above.

Illumina Laboratory Services, Illumina
Classification: Likely benign for Leber congenital amaurosis 7. Last evaluated: 2018-01-12. Review status: criteria provided, single submitter. Criteria: ICSL Variant Classification Criteria 13 December 2019. Collection method: clinical testing. Allele origin: germline.
Comment: This variant was observed in the ICSL laboratory as part of a predisposition screen in an ostensibly healthy population. It had not been previously curated by ICSL or reported in the Human Gene Mutation Database (HGMD: prior to June 1st, 2018), and was therefore a candidate for classification through an automated scoring system. Utilizing variant allele frequency, disease prevalence and penetrance estimates, and inheritance mode, an automated score was calculated to assess if this variant is too frequent to cause the disease. Based on the score and internal cut-off values, a variant classified as likely benign is not then subjected to further curation. The score for this variant resulted in a classification of likely benign for this disease.